The following is an entry in ClinVar:

NM_012431.3(SEMA3E):c.726C>T (p.Asn242=)

Gene: SEMA3E (semaphorin 3E; minus strand). Cytogenetic location: 7q21.11.
Variant type: single nucleotide variant.
Coding change: c.726C>T on transcript NM_012431.3 (MANE Select); coding-DNA position 726, C replaced by T.
Protein change: p.Asn242=; no amino-acid change (asparagine 242 retained).
Molecular consequence: synonymous variant.
Genome position (GRCh38, 1-based): chr7:83,407,184, G>A on the plus strand (C>T on the coding strand, the complement: SEMA3E is on the minus strand). VCF-style: chr7-83407184-G-A. GRCh37 (hg19) VCF-style: chr7-83036500-G-A.
Other names: c.726C>T (NM_012431.2); c.546C>T, p.Asn182= (NM_001178129.2).
Identifiers: ClinVar variation 1969395 (VCV001969395.7), dbSNP rs140291139, ClinGen allele CA4322230.

ClinVar aggregate classification (germline): Likely benign. Review status: criteria provided, single submitter (1 of 4 stars). 2 submissions from 2 submitters: Likely benign (1). 1 of the submissions does not count toward it. Last evaluated 2025-11-09.

Conditions:
CHARGE syndrome (CHARGE). Also called: Hittner Hirsch Kreh syndrome; CHARGE ASSOCIATION--COLOBOMA, HEART ANOMALY, CHOANAL ATRESIA, RETARDATION, GENITAL AND EAR ANOMALIES; Coloboma, heart anomaly, choanal atresia, retardation, genital and ear anomalies; CHARGE association; Hall-Hittner syndrome. Identifiers: Orphanet 138, MedGen C0265354, MONDO:0008965.
SEMA3E-related disorder. Also called: SEMA3E-related condition.

Allele frequency attached by ClinVar (database versions not stated): ExAC 0.00007; ESP Exome Variant Server 0.00015; gnomAD 0.00016; 1000 Genomes Project 0.00060; 1000 Genomes Project 30x 0.00062.
gnomAD v4.1: 50 of 1,613,380 alleles (0.0031%); highest among the groups gnomAD compares: African/African-American, 0.041%; no homozygotes.

Submissions (2):

Labcorp Genetics (formerly Invitae), Labcorp
Classification: Likely benign for CHARGE syndrome. Last evaluated: 2025-11-09. Review status: criteria provided, single submitter. Criteria: Invitae Variant Classification Sherloc (09022015). Collection method: clinical testing. Allele origin: germline.

PreventionGenetics, part of Exact Sciences
Classification: Likely benign for SEMA3E-related condition. Last evaluated: 2021-06-18. Review status: no assertion criteria provided. Collection method: clinical testing. Allele origin: germline. Not counted in ClinVar's aggregate classification.
Comment: This variant is classified as likely benign based on ACMG/AMP sequence variant interpretation guidelines (Richards et al. 2015 PMID: 25741868, with internal and published modifications).